The following is an entry in ClinVar:

NM_014053.4(FLVCR1):c.782C>G (p.Pro261Arg)

Gene: FLVCR1 (FLVCR choline and heme transporter 1; plus strand). Cytogenetic location: 1q32.3.
Variant type: single nucleotide variant.
Coding change: c.782C>G on transcript NM_014053.4 (MANE Select); coding-DNA position 782, C replaced by G.
Protein change: p.Pro261Arg; replaces proline 261 with arginine.
Molecular consequence: missense variant.
Genome position (GRCh38, 1-based): chr1:212,863,768, C>G. VCF-style: chr1-212863768-C-G. GRCh37 (hg19) VCF-style: chr1-213037110-C-G.
Other names: short protein forms P261R.
Identifiers: ClinVar variation 1431694 (VCV001431694.8), dbSNP rs886045927, ClinGen allele CA344789919.
Genomic context (GRCh38, chr1:212,863,768, plus strand): 5'-GACTATGTGTTTTTCAGCTTGGAACTGCAGTTGGCTTTTTGCTACCACCAGTTTTAGTAC[C>G]CAACACACAGAATGACACAAATCTCCTGGCTTGTAATATCAGCACCATGTTTTATGGAAC-3'
Protein context (NP_054772.1, residues 251-271): VGFLLPPVLV[Pro261Arg]NTQNDTNLLA

ClinVar aggregate classification (germline): Uncertain significance (1 of 4 stars; one submission).

Submission:

Labcorp Genetics (formerly Invitae), Labcorp
Classification: Uncertain significance. Last evaluated: 2022-02-24. Review status: criteria provided, single submitter. Criteria: Invitae Variant Classification Sherloc (09022015). Collection method: clinical testing. Allele origin: germline.
Comment: In summary, the available evidence is currently insufficient to determine the role of this variant in disease. Therefore, it has been classified as a Variant of Uncertain Significance. Algorithms developed to predict the effect of missense changes on protein structure and function are either unavailable or do not agree on the potential impact of this missense change (SIFT: "Deleterious"; PolyPhen-2: "Benign"; Align-GVGD: "Class C15"). This variant has not been reported in the literature in individuals affected with FLVCR1-related conditions. This variant is not present in population databases (gnomAD no frequency). This sequence change replaces proline, which is neutral and non-polar, with arginine, which is basic and polar, at codon 261 of the FLVCR1 protein (p.Pro261Arg).